The following is an entry in ClinVar:

ClinVar aggregate classification (germline): Likely benign (1 of 4 stars; one submission).

gnomAD v4.1: 1 of 1,550,296 alleles (0.000065%); highest among the groups gnomAD compares: Non-Finnish European, 0.000087%; no homozygotes.

Submission:

Mayo Clinic Laboratories, Mayo Clinic
Classification: Likely benign. Last evaluated: 2025-07-07. Review status: criteria provided, single submitter. Criteria: ACMG Guidelines, 2015. Collection method: clinical testing. Allele origin: germline. Observed: 1 variant allele.
Comment: BP4, BP7, PM2_supporting

NM_001367624.2(ZNF469):c.6564G>A (p.Gly2188=)

Gene: ZNF469 (zinc finger protein 469; plus strand). Cytogenetic location: 16q24.2.
Variant type: single nucleotide variant.
Coding change: c.6564G>A on transcript NM_001367624.2 (MANE Select); coding-DNA position 6564, G replaced by A.
Protein change: p.Gly2188=; no amino-acid change (glycine 2188 retained).
Molecular consequence: synonymous variant.
Genome position (GRCh38, 1-based): chr16:88,434,034, G>A. VCF-style: chr16-88434034-G-A. GRCh37 (hg19) VCF-style: chr16-88500442-G-A.
Other names: p.Gly2188=.
Identifiers: ClinVar variation 4684120 (VCV004684120.1).